The following is an entry in ClinVar:

ClinVar aggregate classification (germline): Uncertain significance (0 of 4 stars; one submission).

Conditions:
KMT2B-related disorder. Also called: KMT2B-related disorders; KMT2B-related condition. Identifiers: MedGen CN381338.

gnomAD v4.1: 1 of 1,613,396 alleles (0.000062%); highest among the groups gnomAD compares: Non-Finnish European, 0.000085%; no homozygotes.

Submission:

PreventionGenetics, part of Exact Sciences
Classification: Uncertain significance for KMT2B-related condition. Last evaluated: 2024-09-28. Review status: no assertion criteria provided. Collection method: clinical testing. Allele origin: germline.
Comment: The KMT2B c.2845C>T variant is predicted to result in the amino acid substitution p.Pro949Ser. To our knowledge, this variant has not been reported in the literature or in a large population database, indicating this variant is rare. At this time, the clinical significance of this variant is uncertain due to the absence of conclusive functional and genetic evidence.

NM_014727.3(KMT2B):c.2845C>T (p.Pro949Ser)

Gene: KMT2B (lysine methyltransferase 2B; plus strand). Cytogenetic location: 19q13.12.
Variant type: single nucleotide variant.
Coding change: c.2845C>T on transcript NM_014727.3 (MANE Select); coding-DNA position 2845, C replaced by T.
Protein change: p.Pro949Ser; replaces proline 949 with serine.
Molecular consequence: missense variant.
Genome position (GRCh38, 1-based): chr19:35,723,117, C>T. VCF-style: chr19-35723117-C-T. GRCh37 (hg19) VCF-style: chr19-36214019-C-T.
Other names: short protein forms P949S.
Identifiers: ClinVar variation 3354124 (VCV003354124.1).